The following is an entry in ClinVar:

ClinVar aggregate classification (germline): Conflicting classifications of pathogenicity. Review status: criteria provided, conflicting classifications (1 of 4 stars). 7 submissions from 7 submitters: Uncertain significance (6); Likely benign (1). Last evaluated 2025-10-31.

Conditions:
Hereditary cancer-predisposing syndrome. Also called: Tumor predisposition; Neoplastic Syndromes, Hereditary; Hereditary Cancer Syndrome; Hereditary neoplastic syndrome. Identifiers: Orphanet 140162, MedGen C0027672, MeSH D009386, MONDO:0015356.
Hereditary breast ovarian cancer syndrome. Also called: Hereditary breast and ovarian cancer syndrome; Hereditary breast and ovarian cancer; Hereditary breast and ovarian cancer syndrome (HBOC); Hereditary breast and/or ovarian cancer syndrome; Breast and ovarian cancer; BRCA1- and BRCA2-Associated Hereditary Breast and Ovarian Cancer. Identifiers: Orphanet 145, MedGen C0677776, MeSH D061325, MONDO:0003582. Disease mechanism: loss of function.

Allele frequency attached by ClinVar (database versions not stated): TOPMed below 0.00001.
gnomAD v4.1: 1 of 1,614,236 alleles (0.000062%); no homozygotes.

Submissions (7):

Women's Health and Genetics/Laboratory Corporation of America, LabCorp
Classification: Uncertain significance. Last evaluated: 2025-10-31. Review status: criteria provided, single submitter. Criteria: LabCorp Variant Classification Summary - May 2015. Collection method: clinical testing. Allele origin: germline.
Comment: Variant summary: BRCA1 c.902A>G (p.Lys301Arg) results in a conservative amino acid change in the encoded protein sequence. Algorithms developed to predict the effect of missense changes on protein structure and function are either unavailable or do not agree on the potential impact of this missense change. The variant was absent in 251300 control chromosomes. The available data on variant occurrences in the general population are insufficient to allow any conclusion about variant significance. c.902A>G has been observed in the presumed heterozygous state in at least 1 individual(s) affected with Hereditary Breast And Ovarian Cancer Syndrome (Azzollini_2016). These report(s) do not provide unequivocal conclusions about association of the variant with Hereditary Breast And Ovarian Cancer Syndrome. To our knowledge, no experimental evidence demonstrating an impact on protein function has been reported. The following publications have been ascertained in the context of this evaluation (PMID: 27062684, 34803902). ClinVar contains an entry for this variant (Variation ID: 240831). Based on the evidence outlined above, the variant was classified as uncertain significance.

Quest Diagnostics Nichols Institute San Juan Capistrano
Classification: Uncertain significance. Last evaluated: 2025-06-16. Review status: criteria provided, single submitter. Criteria: Quest Diagnostics criteria. Collection method: clinical testing. Allele origin: unknown.
Comment: The BRCA1 c.902A>G (p.Lys301Arg) variant has been reported to be located in a region of the BRCA1 gene that is tolerant to missense sequence changes (PMID: 31911673 (2020)). To the best of our knowledge, this variant has not been reported in individuals with BRCA1-related disorders. This variant was reported as being a variant of uncertain significance in a multifactorial likelihood study (PMID: 31131967 (2019)). This variant has not been reported in large, multi-ethnic general populations (Genome Aggregation Database). Analysis of this variant using bioinformatics tools for the prediction of the effect of amino acid changes on protein structure and function yielded conflicting predictions that this variant is benign or damaging. Based on the available information, we are unable to determine the clinical significance of this variant.

Ambry Genetics
Classification: Uncertain significance for Hereditary cancer-predisposing syndrome. Last evaluated: 2025-06-03. Review status: criteria provided, single submitter. Criteria: Ambry Variant Classification Scheme 2023. Collection method: clinical testing. Allele origin: germline.
Comment: The p.K301R variant (also known as c.902A>G), located in coding exon 9 of the BRCA1 gene, results from an A to G substitution at nucleotide position 902. The lysine at codon 301 is replaced by arginine, an amino acid with highly similar properties. In a study of 1854 high-risk BR/OV cancer families in Italy, this variant was detected in 1 family. (Azzollini J et al. Eur J Intern Med, 2016 Jul;32:65-71). This variant was also classified as uncertain significance in a multifactorial model of variant interpretation that incorporates co-segregation, family history, co-occurrence and tumor pathology and case-control data (Parsons MT et al. Hum Mutat. 2019 Sep;40(9):1557-1578). This variant was identified amongst 432 Chinese individuals with ovarian cancer (Fu K et al. Sci Rep, 2024 Mar;14:6702). This amino acid position is well conserved in available vertebrate species. In addition, this alteration is predicted to be deleterious by in silico analysis. Based on the available evidence, the clinical significance of this variant remains unclear.

Labcorp Genetics (formerly Invitae), Labcorp
Classification: Uncertain significance for Hereditary breast ovarian cancer syndrome. Last evaluated: 2025-03-09. Review status: criteria provided, single submitter. Criteria: Invitae Variant Classification Sherloc (09022015). Collection method: clinical testing. Allele origin: germline.
Comment: This sequence change replaces lysine, which is basic and polar, with arginine, which is basic and polar, at codon 301 of the BRCA1 protein (p.Lys301Arg). This variant is not present in population databases (gnomAD no frequency). This missense change has been observed in individual(s) with hereditary breast and ovarian cancer (PMID: 27062684). ClinVar contains an entry for this variant (Variation ID: 240831). Invitae Evidence Modeling of protein sequence and biophysical properties (such as structural, functional, and spatial information, amino acid conservation, physicochemical variation, residue mobility, and thermodynamic stability) indicates that this missense variant is expected to disrupt BRCA1 protein function with a positive predictive value of 80%. In summary, the available evidence is currently insufficient to determine the role of this variant in disease. Therefore, it has been classified as a Variant of Uncertain Significance.

Color Diagnostics, LLC DBA Color Health
Classification: Uncertain significance for Hereditary cancer-predisposing syndrome. Last evaluated: 2024-03-11. Review status: criteria provided, single submitter. Criteria: ACMG Guidelines, 2015. Collection method: clinical testing. Allele origin: germline.
Comment: This missense variant replaces lysine with arginine at codon 301 of the BRCA1 protein. Computational prediction suggests that this variant may have deleterious impact on protein structure and function. To our knowledge, functional studies have not been reported for this variant. This variant has been reported in a suspected hereditary breast and ovarian cancer family (PMID: 27062684) and in a multifactorial analysis for likelihood ratios for pathogenicity based on co-occurrence with a pathogenic co-variant and family history of 1.0673 and 0.7189, respectively (PMID: 31131967). This variant has not been identified in the general population by the Genome Aggregation Database (gnomAD). The available evidence is insufficient to determine the role of this variant in disease conclusively. Therefore, this variant is classified as a Variant of Uncertain Significance.

University of Washington Department of Laboratory Medicine, University of Washington
Classification: Likely benign for Hereditary cancer-predisposing syndrome. Last evaluated: 2023-03-23. Review status: criteria provided, single submitter. Criteria: Dines et al. (Genet Med. 2020). Collection method: curation. Allele origin: germline.
Comment: Missense variant in a coldspot region where missense variants are very unlikely to be pathogenic (PMID:31911673).

BRCA1 coldspot (exon 11 using historical exon numbering). Reclassification based on statistical prior probability

GeneDx
Classification: Uncertain significance. Last evaluated: 2021-12-20. Review status: criteria provided, single submitter. Criteria: GeneDx Variant Classification Process June 2021. Collection method: clinical testing. Allele origin: germline. Affected: yes.
Comment: Not observed at significant frequency in large population cohorts (Lek 2016); Observed in individuals with a personal or family history including breast and/or ovarian cancer (Azzollini 2016); In silico analysis supports that this missense variant has a deleterious effect on protein structure/function; Also known as 1021A>G; This variant is associated with the following publications: (PMID: 25348012, 34803902, 27062684)

Literature cited by the submitters: PubMed 27062684 (cited by 5 submitters); PubMed 34803902 (cited by Women's Health and Genetics/Laboratory Corporation of America, LabCorp and Quest Diagnostics Nichols Institute San Juan Capistrano); PubMed 31131967 (cited by 3 submitters); PubMed 31911673 (cited by Quest Diagnostics Nichols Institute San Juan Capistrano); PubMed 38509102 (cited by Ambry Genetics).

NM_007294.4(BRCA1):c.902A>G (p.Lys301Arg)

Gene: BRCA1 (BRCA1 DNA repair associated; minus strand). Cytogenetic location: 17q21.31.
Variant type: single nucleotide variant.
Coding change: c.902A>G on transcript NM_007294.4 (MANE Select); coding-DNA position 902, A replaced by G.
Protein change: p.Lys301Arg; replaces lysine 301 with arginine.
Molecular consequence: missense variant. On other transcripts: intron variant (137).
Genome position (GRCh38, 1-based): chr17:43,094,629, T>C on the plus strand (A>G on the coding strand, the complement: BRCA1 is on the minus strand). VCF-style: chr17-43094629-T-C. GRCh37 (hg19) VCF-style: chr17-41246646-T-C.
Other names: c.902A>G, p.Lys301Arg (NM_001407618.1, NM_001407619.1, NM_001407620.1 and 30 more transcripts); c.899A>G, p.Lys300Arg (NM_001407627.1, NM_001407628.1, NM_001407629.1 and 22 more transcripts); c.893A>G, p.Lys298Arg (NM_001407646.1, NM_001407647.1); c.779A>G, p.Lys260Arg (NM_001407648.1, NM_001407664.1, NM_001407665.1 and 19 more transcripts); c.776A>G, p.Lys259Arg (NM_001407649.1, NM_001407670.1, NM_001407671.1 and 11 more transcripts); c.824A>G, p.Lys275Arg (NM_001407653.1, NM_001407654.1, NM_001407655.1 and 4 more transcripts); c.821A>G, p.Lys274Arg (NM_001407659.1, NM_001407660.1, NM_001407661.1 and 1 more transcripts); c.638A>G, p.Lys213Arg (NM_001407935.1, NM_001407920.1, NM_001407921.1 and 9 more transcripts); and 40 more; short protein forms K301R, K254R, K190R, K212R, K253R, K260R, K298R, K300R.
Identifiers: ClinVar variation 240831 (VCV000240831.29), dbSNP rs878854965, ClinGen allele CA10583585.